The following is an entry in ClinVar:

NM_015135.3(NUP205):c.4867G>T (p.Ala1623Ser)

Gene: NUP205 (nucleoporin 205; plus strand). Cytogenetic location: 7q33.
Variant type: single nucleotide variant.
Coding change: c.4867G>T on transcript NM_015135.3 (MANE Select); coding-DNA position 4867, G replaced by T.
Protein change: p.Ala1623Ser; replaces alanine 1623 with serine.
Molecular consequence: missense variant.
Genome position (GRCh38, 1-based): chr7:135,628,046, G>T. VCF-style: chr7-135628046-G-T. GRCh37 (hg19) VCF-style: chr7-135312794-G-T.
Other names: NC_000007.13:g.135312794G>T; c.3793G>T, p.Ala1265Ser (NM_001329434.2); short protein forms A1265S, A1623S.
Identifiers: ClinVar variation 3055170 (VCV003055170.3), dbSNP rs150977215, ClinGen allele CA4499006.

ClinVar aggregate classification (germline): Likely benign (0 of 4 stars; one submission).

Conditions:
NUP205-related disorder. Also called: NUP205-related condition.

Allele frequency attached by ClinVar (database versions not stated): ExAC 0.00018; gnomAD exomes 0.00053; 1000 Genomes Project 30x 0.00094; 1000 Genomes Project 0.00120; gnomAD 0.00021; TOPMed 0.00006.
gnomAD v4.1: 780 of 1,610,986 alleles (0.048%); highest among the groups gnomAD compares: East Asian, 1.7%; 13 homozygotes.

Submissions (5):

PreventionGenetics, part of Exact Sciences
Classification: Likely benign for NUP205-related condition. Last evaluated: 2023-01-11. Review status: no assertion criteria provided. Collection method: clinical testing. Allele origin: germline.
Comment: This variant is classified as likely benign based on ACMG/AMP sequence variant interpretation guidelines (Richards et al. 2015 PMID: 25741868, with internal and published modifications).

Dr. Peter K. Rogan Lab, Western University
No classification provided (evidence only). Condition: Ovarian serous cystadenocarcinoma. Review status: no classification provided. Collection method: in vitro. Allele origin: not applicable. Functional consequence: retained intron. Not counted in ClinVar's aggregate classification.

Dr. Peter K. Rogan Lab, Western University
No classification provided (evidence only). Condition: Hepatocellular carcinoma. Review status: no classification provided. Collection method: in vitro. Allele origin: not applicable. Functional consequence: retained intron. Not counted in ClinVar's aggregate classification.

Dr. Peter K. Rogan Lab, Western University
No classification provided (evidence only). Condition: Hepatocellular carcinoma. Review status: no classification provided. Collection method: in vitro. Allele origin: not applicable. Functional consequence: retained intron. Not counted in ClinVar's aggregate classification.

Dr. Peter K. Rogan Lab, Western University
No classification provided (evidence only). Condition: Hepatocellular carcinoma. Review status: no classification provided. Collection method: in vitro. Allele origin: not applicable. Functional consequence: retained intron. Not counted in ClinVar's aggregate classification.